The following is an entry in ClinVar:

NM_021625.5(TRPV4):c.2038A>G (p.Met680Val)

Gene: TRPV4 (transient receptor potential cation channel subfamily V member 4; minus strand). Cytogenetic location: 12q24.11.
Variant type: single nucleotide variant.
Coding change: c.2038A>G on transcript NM_021625.5 (MANE Select); coding-DNA position 2038, A replaced by G.
Protein change: p.Met680Val; replaces methionine 680 with valine.
Molecular consequence: missense variant.
Genome position (GRCh38, 1-based): chr12:109,788,570, T>C on the plus strand (A>G on the coding strand, the complement: TRPV4 is on the minus strand). VCF-style: chr12-109788570-T-C. GRCh37 (hg19) VCF-style: chr12-110226375-T-C.
Other names: c.1897A>G, p.Met633Val (NM_001177428.2); c.1936A>G, p.Met646Val (NM_001177431.2); c.1717A>G, p.Met573Val (NM_001177433.2); c.1858A>G, p.Met620Val (NM_147204.3); short protein forms M573V, M620V, M633V, M646V, M680V.
Identifiers: ClinVar variation 1036238 (VCV001036238.12), dbSNP rs114408421, ClinGen allele CA6780030.

ClinVar aggregate classification (germline): Uncertain significance. Review status: criteria provided, multiple submitters, no conflicts (2 of 4 stars). 3 submissions from 3 submitters: Uncertain significance (3). Last evaluated 2025-01-06.

Conditions:
Inborn genetic diseases. Identifiers: MedGen C0950123, MeSH D030342.
Charcot-Marie-Tooth disease axonal type 2C (HMSN2C). Also called: Charcot-Marie-Tooth Disease Type 2, TRPV4-Related (CMT2C); CHARCOT-MARIE-TOOTH DISEASE, AXONAL, AUTOSOMAL DOMINANT, TYPE 2C; Charcot-Marie-Tooth Neuropathy Type 2C. Identifiers: Orphanet 99937, MedGen C1853710, MONDO:0011633, OMIM 606071.

Allele frequency attached by ClinVar (database versions not stated): gnomAD 0.00001; gnomAD exomes 0.00001; TOPMed 0.00001; ExAC 0.00002; 1000 Genomes Project 30x 0.00016; 1000 Genomes Project 0.00020.
gnomAD v4.1: 18 of 1,614,234 alleles (0.0011%); highest among the groups gnomAD compares: Non-Finnish European, 0.0015%; no homozygotes.

Submissions (3):

Labcorp Genetics (formerly Invitae), Labcorp
Classification: Uncertain significance for Charcot-Marie-Tooth disease axonal type 2C. Last evaluated: 2025-01-06. Review status: criteria provided, single submitter. Criteria: Invitae Variant Classification Sherloc (09022015). Collection method: clinical testing. Allele origin: germline.
Comment: This sequence change replaces methionine, which is neutral and non-polar, with valine, which is neutral and non-polar, at codon 680 of the TRPV4 protein (p.Met680Val). This variant is present in population databases (rs114408421, gnomAD 0.003%). This variant has not been reported in the literature in individuals affected with TRPV4-related conditions. ClinVar contains an entry for this variant (Variation ID: 1036238). Invitae Evidence Modeling of protein sequence and biophysical properties (such as structural, functional, and spatial information, amino acid conservation, physicochemical variation, residue mobility, and thermodynamic stability) has been performed for this missense variant. However, the output from this modeling did not meet the statistical confidence thresholds required to predict the impact of this variant on TRPV4 protein function. In summary, the available evidence is currently insufficient to determine the role of this variant in disease. Therefore, it has been classified as a Variant of Uncertain Significance.

Ambry Genetics
Classification: Uncertain significance for Inborn genetic diseases. Last evaluated: 2022-02-24. Review status: criteria provided, single submitter. Criteria: Ambry Variant Classification Scheme 2023. Collection method: clinical testing. Allele origin: germline.
Comment: The p.M680V variant (also known as c.2038A>G), located in coding exon 12 of the TRPV4 gene, results from an A to G substitution at nucleotide position 2038. The methionine at codon 680 is replaced by valine, an amino acid with highly similar properties. This amino acid position is well conserved in available vertebrate species. In addition, this alteration is predicted to be deleterious by in silico analysis. Since supporting evidence is limited at this time, the clinical significance of this alteration remains unclear.

GeneDx
Classification: Uncertain significance. Last evaluated: 2021-03-26. Review status: criteria provided, single submitter. Criteria: GeneDx Variant Classification Process June 2021. Collection method: clinical testing. Allele origin: germline. Affected: yes.
Comment: Not observed at a significant frequency in large population cohorts (Lek et al., 2016); In silico analysis, which includes protein predictors and evolutionary conservation, supports a deleterious effect; Has not been previously published as pathogenic or benign to our knowledge